The following is an entry in ClinVar:

ClinVar aggregate classification (germline): Conflicting classifications of pathogenicity. Review status: criteria provided, conflicting classifications (1 of 4 stars). 3 submissions from 3 submitters: Uncertain significance (1); Likely benign (1). 1 of the submissions does not count toward it. Last evaluated 2026-01-19.

Conditions:
RFT1-congenital disorder of glycosylation (CDG1N). Also called: CDG In; RFT1-CDG; Congenital disorder of glycosylation type In. Identifiers: Orphanet 244310, MedGen C2677590, MONDO:0012783, OMIM 612015.
RFT1-related disorder. Also called: RFT1-related condition.

Allele frequency attached by ClinVar (database versions not stated): gnomAD 0.00004; TOPMed 0.00011; gnomAD exomes 0.00015 and 0.00032; ExAC 0.00040.

Submissions (4):

Labcorp Genetics (formerly Invitae), Labcorp
Classification: Likely benign for RFT1-congenital disorder of glycosylation. Last evaluated: 2026-01-19. Review status: criteria provided, single submitter. Criteria: Invitae Variant Classification Sherloc (09022015). Collection method: clinical testing. Allele origin: germline.

Baylor Genetics
Classification: Uncertain significance for RFT1-congenital disorder of glycosylation. Last evaluated: 2018-02-06. Review status: criteria provided, single submitter. Criteria: ACMG Guidelines, 2015. Collection method: clinical testing. Allele origin: unknown. Affected: yes.
Comment: This variant was determined to be of uncertain significance according to ACMG Guidelines, 2015 [PMID:25741868].

PreventionGenetics, part of Exact Sciences
Classification: Likely benign for RFT1-related condition. Last evaluated: 2022-03-28. Review status: no assertion criteria provided. Collection method: clinical testing. Allele origin: germline. Not counted in ClinVar's aggregate classification.
Comment: This variant is classified as likely benign based on ACMG/AMP sequence variant interpretation guidelines (Richards et al. 2015 PMID: 25741868, with internal and published modifications).

Dr. Peter K. Rogan Lab, Western University
No classification provided (evidence only). Condition: Clear cell carcinoma of kidney. Review status: no classification provided. Collection method: in vitro. Allele origin: not applicable. Functional consequence: skipped exon, retained intron. Not counted in ClinVar's aggregate classification.

NM_052859.4(RFT1):c.821A>G (p.Asp274Gly)

Gene: RFT1 (RFT1 glycolipid translocator homolog; minus strand). Cytogenetic location: 3p21.1.
Variant type: single nucleotide variant.
Coding change: c.821A>G on transcript NM_052859.4 (MANE Select); coding-DNA position 821, A replaced by G.
Protein change: p.Asp274Gly; replaces aspartic acid 274 with glycine.
Molecular consequence: missense variant.
Genome position (GRCh38, 1-based): chr3:53,106,824, T>C on the plus strand (A>G on the coding strand, the complement: RFT1 is on the minus strand). VCF-style: chr3-53106824-T-C. GRCh37 (hg19) VCF-style: chr3-53140840-T-C.
Other names: short protein forms D274G.
Identifiers: ClinVar variation 715287 (VCV000715287.14), dbSNP rs781066087, ClinGen allele CA2451332.